The following is an entry in ClinVar:

NM_025265.4(TSEN2):c.1099C>T (p.Leu367=)

Gene: TSEN2 (tRNA splicing endonuclease subunit 2; plus strand). Cytogenetic location: 3p25.2.
Variant type: single nucleotide variant.
Coding change: c.1099C>T on transcript NM_025265.4 (MANE Select); coding-DNA position 1099, C replaced by T.
Protein change: p.Leu367=; no amino-acid change (leucine 367 retained).
Molecular consequence: synonymous variant. On other transcripts: non-coding transcript variant (1).
Genome position (GRCh38, 1-based): chr3:12,519,197, C>T. VCF-style: chr3-12519197-C-T. GRCh37 (hg19) VCF-style: chr3-12560696-C-T.
Other names: c.1099C>T, p.Leu367= (NM_001145392.2, NM_001321277.2, NM_001321278.2); c.1021C>T, p.Leu341= (NM_001145393.3, NM_001321279.2); c.922C>T, p.Leu308= (NM_001145394.2).
Identifiers: ClinVar variation 2291971 (VCV002291971.2), dbSNP rs767804914, ClinGen allele CA2258707.

ClinVar aggregate classification (germline): Uncertain significance (1 of 4 stars; one submission).

Conditions:
Inborn genetic diseases. Identifiers: MedGen C0950123, MeSH D030342.

Allele frequency attached by ClinVar (database versions not stated): gnomAD exomes below 0.00001; ExAC 0.00001; gnomAD 0.00002; TOPMed 0.00002.
gnomAD v4.1: 8 of 1,614,150 alleles (0.0005%); highest among the groups gnomAD compares: East Asian, 0.0045%; no homozygotes.

Submission:

Ambry Genetics
Classification: Uncertain significance for Inborn genetic diseases. Last evaluated: 2022-07-08. Review status: criteria provided, single submitter. Criteria: Ambry Variant Classification Scheme 2023. Collection method: clinical testing. Allele origin: germline.
Comment: The c.1099C>T (p.L367L) alteration is located in exon 8 (coding exon 7) of the TSEN2 gene. This alteration consists of a C to T substitution at nucleotide position 1099. This nucleotide substitution does not change the amino acid at codon 367. However, this change occurs in the last nucleotide of Exon 8 (c.961_1099) which makes it likely to have some effect on normal mRNA splicing. Based on insufficient or conflicting evidence, the clinical significance of this alteration remains unclear.